The following is an entry in ClinVar:

ClinVar aggregate classification (germline): Uncertain significance. Review status: criteria provided, multiple submitters, no conflicts (2 of 4 stars). 2 submissions from 2 submitters: Uncertain significance (2). Last evaluated 2025-04-12.

Conditions:
Eichsfeld type congenital muscular dystrophy (CMYO3). Also called: Rigid spine muscular dystrophy 1; MYOPATHY, SEPN1-RELATED; SELENON-related myopathy; Congenital myopathy 3 with rigid spine. Identifiers: MedGen C0410180, MONDO:0100100, OMIM 602771.
Inborn genetic diseases. Identifiers: MedGen C0950123, MeSH D030342.

Allele frequency attached by ClinVar (database versions not stated): TOPMed 0.00002.
gnomAD v4.1: 33 of 1,614,048 alleles (0.002%); highest among the groups gnomAD compares: Middle Eastern, 0.033%; no homozygotes.

Submissions (2):

Ambry Genetics
Classification: Uncertain significance for Inborn genetic diseases. Last evaluated: 2025-04-12. Review status: criteria provided, single submitter. Criteria: Ambry Variant Classification Scheme 2023. Collection method: clinical testing. Allele origin: germline.

Labcorp Genetics (formerly Invitae), Labcorp
Classification: Uncertain significance for Eichsfeld type congenital muscular dystrophy. Last evaluated: 2024-01-22. Review status: criteria provided, single submitter. Criteria: Invitae Variant Classification Sherloc (09022015). Collection method: clinical testing. Allele origin: germline.
Comment: This sequence change replaces proline, which is neutral and non-polar, with leucine, which is neutral and non-polar, at codon 568 of the SELENON protein (p.Pro568Leu). This variant is present in population databases (no rsID available, gnomAD 0.006%). This variant has not been reported in the literature in individuals affected with SELENON-related conditions. ClinVar contains an entry for this variant (Variation ID: 1026141). Advanced modeling of protein sequence and biophysical properties (such as structural, functional, and spatial information, amino acid conservation, physicochemical variation, residue mobility, and thermodynamic stability) has been performed at Invitae for this missense variant, however the output from this modeling did not meet the statistical confidence thresholds required to predict the impact of this variant on SELENON protein function. In summary, the available evidence is currently insufficient to determine the role of this variant in disease. Therefore, it has been classified as a Variant of Uncertain Significance.

NM_206926.2(SELENON):c.1601C>T (p.Pro534Leu)

Gene: SELENON (selenoprotein N; plus strand). Cytogenetic location: 1p36.11.
Variant type: single nucleotide variant.
Coding change: c.1601C>T on transcript NM_206926.2 (MANE Select); coding-DNA position 1601, C replaced by T.
Protein change: p.Pro534Leu; replaces proline 534 with leucine.
Molecular consequence: missense variant.
Genome position (GRCh38, 1-based): chr1:25,815,648, C>T. VCF-style: chr1-25815648-C-T. GRCh37 (hg19) VCF-style: chr1-26142139-C-T.
Other names: c.1703C>T, p.Pro568Leu (NM_020451.3); c.1703C>T (NM_020451.2); short protein forms P534L, P568L.
Identifiers: ClinVar variation 1026141 (VCV001026141.8), dbSNP rs367859333, ClinGen allele CA19699216.